The following is an entry in ClinVar:

NM_000297.4(PKD2):c.498_511del (p.Ser166fs)

Genes: PKD2 (polycystin 2, transient receptor potential cation channel; plus strand), LOC129992813 (ATAC-STARR-seq lymphoblastoid silent region 15559; plus strand). Cytogenetic location: 4q22.1.
Variant type: Deletion.
Coding change: c.498_511del on transcript NM_000297.4 (MANE Select); coding-DNA positions 498 to 511, 14 bases deleted (CCCAGTCGGCGGCG).
Protein change: p.Ser166fs; shifts the reading frame from serine 166.
Molecular consequence: frameshift variant. On other transcripts: non-coding transcript variant (1).
Genome position (GRCh38, 1-based): chr4:88,008,231-88,008,244, CCCAGTCGGCGGCG deleted; deleting any 14 consecutive bases within chr4:88,008,230-88,008,244 gives the same sequence; the c. name uses the placement nearest the transcript's 3' end. VCF-style (leftmost placement, unchanged base first): chr4-88008229-AGCCCAGTCGGCGGC-A. GRCh37 (hg19) VCF-style: chr4-88929381-AGCCCAGTCGGCGGC-A.
Other names: c.498_511del14 (NM_000297.3); short protein forms S166fs.
Identifiers: ClinVar variation 3591344 (VCV003591344.2).
Genomic context (GRCh38, chr4:88,008,229, plus strand): 5'-GGCGCGGGCCACCCGAGCGGGAGGCGGCGCCGGCGAGAGGACCAGGGCCCGCCGTGCCCC[AGCCCAGTCGGCGGC>A]GGGGACCCGCTGCATCGCCACCTCCCCCTGGAAGGGCAGCCGCCCCGAGTGGCCTGGGCG-3'

ClinVar aggregate classification (germline): Pathogenic. Review status: criteria provided, multiple submitters, no conflicts (2 of 4 stars). 2 submissions from 2 submitters: Pathogenic (2). Last evaluated 2026-05-27.

Conditions:
PKD2-related disorder. Also called: PKD2-related condition.
Polycystic kidney disease 2 (PKD2). Also called: Polycystic Kidney Disease 2, Autosomal Dominant; POLYCYSTIC KIDNEY DISEASE, ADULT, TYPE II; POLYCYSTIC KIDNEY DISEASE 2 WITH OR WITHOUT POLYCYSTIC LIVER DISEASE. Identifiers: MedGen C2751306, MONDO:0013131, OMIM 613095.

Submissions (2):

PreventionGenetics, part of Exact Sciences
Classification: Pathogenic for PKD2-related condition. Last evaluated: 2026-05-27. Review status: criteria provided, single submitter. Criteria: ACMG Guidelines, 2015. Collection method: clinical testing. Allele origin: germline.
Comment: The PKD2 c.498_511del14 variant is predicted to result in a frameshift and premature protein termination (p.Ser166Argfs*42). To our knowledge, this variant has not been reported in the literature or in a large population database (gnomAD), indicating this variant is rare. Frameshift variants in PKD2 are expected to be pathogenic. This variant is interpreted as pathogenic.

Fulgent Genetics
Classification: Pathogenic for Polycystic kidney disease 2. Last evaluated: 2024-02-21. Review status: criteria provided, single submitter. Criteria: ACMG Guidelines, 2015. Collection method: clinical testing. Allele origin: germline.